The following is an entry in ClinVar:

ClinVar aggregate classification (germline): Likely pathogenic (1 of 4 stars; one submission).

Conditions:
Dilated cardiomyopathy 1O (CMD1O). Also called: CARDIOMYOPATHY, DILATED, WITH VENTRICULAR TACHYCARDIA. Identifiers: Orphanet 154, MedGen C1837839, MONDO:0012062, OMIM 608569.

Submission:

Labcorp Genetics (formerly Invitae), Labcorp
Classification: Likely pathogenic for Dilated cardiomyopathy 1O. Last evaluated: 2024-10-01. Review status: criteria provided, single submitter. Criteria: Invitae Variant Classification Sherloc (09022015). Collection method: clinical testing. Allele origin: germline.
Comment: This sequence change affects a donor splice site in intron 10 of the ABCC9 gene. It is expected to disrupt RNA splicing. Variants that disrupt the donor or acceptor splice site typically lead to a loss of protein function (PMID: 16199547), and loss-of-function variants in ABCC9 are known to be pathogenic (PMID: 31575858, 38217872). This variant is not present in population databases (gnomAD no frequency). This variant has not been reported in the literature in individuals affected with ABCC9-related conditions. Algorithms developed to predict the effect of sequence changes on RNA splicing suggest that this variant may disrupt the consensus splice site. In summary, the currently available evidence indicates that the variant is pathogenic, but additional data are needed to prove that conclusively. Therefore, this variant has been classified as Likely Pathogenic.

Literature cited by the submitters: PubMed 16199547; PubMed 31575858; PubMed 38217872.

NM_020297.4(ABCC9):c.1618+1G>A

Gene: ABCC9 (ATP binding cassette subfamily C member 9; minus strand). Cytogenetic location: 12p12.1.
Variant type: single nucleotide variant.
Coding change: c.1618+1G>A on transcript NM_020297.4 (MANE Select); the canonical splice donor site of the intron after coding-DNA position 1618, G replaced by A.
Molecular consequence: splice donor variant.
Genome position (GRCh38, 1-based): chr12:21,906,125, C>T on the plus strand (G>A on the coding strand, the complement: ABCC9 is on the minus strand). VCF-style: chr12-21906125-C-T. GRCh37 (hg19) VCF-style: chr12-22059059-C-T.
Other names: c.754+1G>A (NM_001377274.1); c.1618+1G>A (NM_005691.4, NM_001377273.1).
Identifiers: ClinVar variation 2780156 (VCV002780156.3), dbSNP rs2541627484, ClinGen allele CA384138946.